The following is an entry in ClinVar:

ClinVar aggregate classification (germline): Uncertain significance (1 of 4 stars; one submission).

Submission:

GeneDx
Classification: Uncertain significance. Last evaluated: 2025-03-19. Review status: criteria provided, single submitter. Criteria: GeneDx Variant Classification Process June 2021. Collection method: clinical testing. Allele origin: germline. Affected: yes.
Comment: In silico analysis supports that this missense variant has a deleterious effect on protein structure/function; Has not been previously published as pathogenic or benign to our knowledge; Also known as p.(P114S); Occurs in the triple helical domain at the Y position in the canonical Gly-X-Y repeat; although this variant may have an effect on normal protein folding and function, missense substitution at the Y position is not a common mechanism of disease (HGMD)

NM_001844.5(COL2A1):c.940C>T (p.Pro314Ser)

Gene: COL2A1 (collagen type II alpha 1 chain; minus strand). Cytogenetic location: 12q13.11.
Variant type: single nucleotide variant.
Coding change: c.940C>T on transcript NM_001844.5 (MANE Select); coding-DNA position 940, C replaced by T.
Protein change: p.Pro314Ser; replaces proline 314 with serine.
Molecular consequence: missense variant.
Genome position (GRCh38, 1-based): chr12:47,993,487, G>A on the plus strand (C>T on the coding strand, the complement: COL2A1 is on the minus strand). VCF-style: chr12-47993487-G-A. GRCh37 (hg19) VCF-style: chr12-48387270-G-A.
Other names: c.733C>T, p.Pro245Ser (NM_033150.3); short protein forms P245S, P314S.
Identifiers: ClinVar variation 4086364 (VCV004086364.1).